The following is an entry in ClinVar:

ClinVar aggregate classification (germline): Pathogenic/Likely pathogenic. Review status: criteria provided, multiple submitters, no conflicts (2 of 4 stars). 7 submissions from 7 submitters: Pathogenic (5); Likely pathogenic (2). Last evaluated 2026-01-19.

Conditions:
Multiple acyl-CoA dehydrogenase deficiency (MADD). Also called: ETHYLMALONIC-ADIPICACIDURIA; GA II; Glutaric aciduria, type 2; Glutaric acidemia type II; GA 2; Glutaric Acidemia type 2. Identifiers: Orphanet 26791, MedGen C0268596, MONDO:0009282, OMIM 231680.
Glutaric acidemia type 2C.
Inborn genetic diseases. Identifiers: MedGen C0950123, MeSH D030342.

Allele frequency attached by ClinVar (database versions not stated): ExAC 0.00001; gnomAD 0.00001; gnomAD exomes 0.00001 and 0.00004; TOPMed 0.00001.
gnomAD v4.1: 51 of 1,544,460 alleles (0.0033%); highest among the groups gnomAD compares: Non-Finnish European, 0.0043%; no homozygotes.

Submissions (7):

Labcorp Genetics (formerly Invitae), Labcorp
Classification: Pathogenic for Multiple acyl-CoA dehydrogenase deficiency. Last evaluated: 2026-01-19. Review status: criteria provided, single submitter. Criteria: Invitae Variant Classification Sherloc (09022015). Collection method: clinical testing. Allele origin: germline.
Comment: This sequence change replaces leucine, which is neutral and non-polar, with arginine, which is basic and polar, at codon 138 of the ETFDH protein (p.Leu138Arg). This variant is present in population databases (rs779896449, gnomAD 0.002%). This missense change has been observed in individuals with multiple acyl-CoA dehydrogenase (PMID: 12359134, 15669683, 32925727). ClinVar contains an entry for this variant (Variation ID: 431962). Invitae Evidence Modeling of protein sequence and biophysical properties (such as structural, functional, and spatial information, amino acid conservation, physicochemical variation, residue mobility, and thermodynamic stability) has been performed for this missense variant. However, the output from this modeling did not meet the statistical confidence thresholds required to predict the impact of this variant on ETFDH protein function. Experimental studies have shown that this missense change affects ETFDH function (PMID: 22611163). For these reasons, this variant has been classified as Pathogenic.

GeneDx
Classification: Pathogenic. Last evaluated: 2025-11-25. Review status: criteria provided, single submitter. Criteria: GeneDx Variant Classification Process June 2021. Collection method: clinical testing. Allele origin: germline. Affected: yes.
Comment: Published functional studies demonstrate L138R results in a decrease in enzyme activity of 15% of wildtype when supplemented with riboflavin, decreased steady-state protein levels, and less pronounced hydrogen peroxide production relative wild-type (PMID: 22611163); In silico analysis supports that this missense variant has a deleterious effect on protein structure/function; Not observed at significant frequency in large population cohorts (gnomAD); This variant is associated with the following publications: (PMID: 25525159, 15669683, 31980526, 28468868, 32925727, 38941880, 12359134, 33473335, 22611163, 22013910)

Natera, Inc.
Classification: Likely pathogenic for Glutaric acidemia type 2C. Last evaluated: 2025-10-30. Review status: criteria provided, single submitter. Criteria: Natera Variant Classification Schema (03/2026). Collection method: clinical testing. Allele origin: germline.
Comment: The c.413T>G variant in ETFDH is a missense variant predicted to cause substitution of leucine to arginine at amino acid 138. This variant is rare in the general population with a frequency below the threshold expected for the associated phenotype(s). This variant has been observed in one or more individuals affected with the associated recessive disease, as either homozygous or compound heterozygous with a second variant (PMID: 15669683, 28468868, 33473335, 40688386). Functional studies show that this variant may disrupt protein function (PMID: 22611163). Computational prediction algorithms indicate this variant is likely to affect gene or protein function. Given the available evidence, this variant is classified as Likely Pathogenic.

Baylor Genetics
Classification: Pathogenic for Multiple acyl-CoA dehydrogenase deficiency. Last evaluated: 2024-03-20. Review status: criteria provided, single submitter. Criteria: ACMG Guidelines, 2015. Collection method: clinical testing. Allele origin: unknown.

Fulgent Genetics
Classification: Likely pathogenic for Multiple acyl-CoA dehydrogenase deficiency. Last evaluated: 2021-07-29. Review status: criteria provided, single submitter. Criteria: ACMG Guidelines, 2015. Collection method: clinical testing. Allele origin: unknown.

Women's Health and Genetics/Laboratory Corporation of America, LabCorp
Classification: Pathogenic for Multiple acyl-CoA dehydrogenase deficiency. Last evaluated: 2019-10-14. Review status: criteria provided, single submitter. Criteria: LabCorp Variant Classification Summary - May 2015. Collection method: clinical testing. Allele origin: germline.
Comment: Variant summary: ETFDH c.413T>G (p.Leu138Arg) results in a non-conservative amino acid change in the encoded protein sequence. Five of five in-silico tools predict a damaging effect of the variant on protein function. The variant allele was found at a frequency of 8e-06 in 250696 control chromosomes (gnomAD). c.413T>G has been reported in the literature in individuals affected with Glutaric aciduria, type 2 (Goodman_2002, Olsen_2004, Cornelius_2012). These data indicate that the variant may be associated with disease. A functional study, Cornelius_2012, found the variant to impact enzyme activity and protein stability. Two ClinVar submissions (evaluation after 2014) cite the variant once as pathogenic and once as likely pathogenic. Based on the evidence outlined above, the variant was classified as pathogenic.

Ambry Genetics
Classification: Pathogenic for Inborn genetic diseases. Last evaluated: 2018-01-24. Review status: criteria provided, single submitter. Criteria: Ambry exome assertion method (8-5-2015). Collection method: clinical testing. Allele origin: germline. Affected: yes. Observed: 1 variant allele.

Literature cited by the submitters: PubMed 12359134 (cited by 3 submitters); PubMed 15669683 (cited by 4 submitters); PubMed 32925727 (cited by Labcorp Genetics (formerly Invitae), Labcorp); PubMed 22611163 (cited by 4 submitters); PubMed 28468868 (cited by Natera, Inc.); PubMed 33473335 (cited by Natera, Inc.); PubMed 40688386 (cited by Natera, Inc.).

NM_004453.4(ETFDH):c.413T>G (p.Leu138Arg)

Gene: ETFDH (electron transfer flavoprotein dehydrogenase; plus strand). Cytogenetic location: 4q32.1.
Variant type: single nucleotide variant.
Coding change: c.413T>G on transcript NM_004453.4 (MANE Select); coding-DNA position 413, T replaced by G.
Protein change: p.Leu138Arg; replaces leucine 138 with arginine.
Molecular consequence: missense variant.
Genome position (GRCh38, 1-based): chr4:158,684,599, T>G. VCF-style: chr4-158684599-T-G. GRCh37 (hg19) VCF-style: chr4-159605751-T-G.
Other names: c.272T>G, p.Leu91Arg (NM_001281737.2); c.230T>G, p.Leu77Arg (NM_001281738.1); short protein forms L138R, L91R, L77R.
Identifiers: ClinVar variation 431962 (VCV000431962.20), dbSNP rs779896449, ClinGen allele CA3122353.